The following is an entry in ClinVar:

NM_001166108.2(PALLD):c.23A>T (p.Glu8Val)

Gene: PALLD (palladin, cytoskeletal associated protein; plus strand). Cytogenetic location: 4q32.3.
Variant type: single nucleotide variant.
Coding change: c.23A>T on transcript NM_001166108.2 (MANE Select); coding-DNA position 23, A replaced by T.
Protein change: p.Glu8Val; replaces glutamic acid 8 with valine.
Molecular consequence: missense variant.
Genome position (GRCh38, 1-based): chr4:168,511,527, A>T. VCF-style: chr4-168511527-A-T. GRCh37 (hg19) VCF-style: chr4-169432678-A-T.
Other names: c.23A>T, p.Glu8Val (NM_016081.4); short protein forms E8V.
Identifiers: ClinVar variation 1790700 (VCV001790700.2), dbSNP rs2531426875, ClinGen allele CA358723983.
Genomic context (GRCh38, chr4:168,511,527, plus strand): 5'-CTGAAAGCAGACACAGAGTGCATGAAGACCGTTCAAATATGTCAGGGACCTCCTCCCATG[A>T]GTCCTTCTATGACTCCCTCTCAGACATGCAGGAAGAAAGCAAGAATACTGACTTCTTCCC-3'
Protein context (NP_001159580.1, residues 1-18): MSGTSSH[Glu8Val]SFYDSLSDMQ

ClinVar aggregate classification (germline): Uncertain significance (1 of 4 stars; one submission).

Submission:

Ambry Genetics
Classification: Uncertain significance. Last evaluated: 2022-04-08. Review status: criteria provided, single submitter. Criteria: Ambry Variant Classification Scheme 2023. Collection method: clinical testing. Allele origin: germline.
Comment: The p.E8V variant (also known as c.23A>T), located in coding exon 1 of the PALLD gene, results from an A to T substitution at nucleotide position 23. The glutamic acid at codon 8 is replaced by valine, an amino acid with dissimilar properties. This amino acid position is conserved. In addition, this alteration is predicted to be tolerated by in silico analysis. Since supporting evidence is limited at this time, the clinical significance of this alteration remains unclear.